The following is an entry in ClinVar:

NM_000368.5(TSC1):c.2063T>C (p.Ile688Thr)

Gene: TSC1 (TSC complex subunit 1; minus strand). Cytogenetic location: 9q34.13.
Variant type: single nucleotide variant.
Coding change: c.2063T>C on transcript NM_000368.5 (MANE Select); coding-DNA position 2063, T replaced by C.
Protein change: p.Ile688Thr; replaces isoleucine 688 with threonine.
Molecular consequence: missense variant. On other transcripts: non-coding transcript variant (4).
Genome position (GRCh38, 1-based): chr9:132,903,796, A>G on the plus strand (T>C on the coding strand, the complement: TSC1 is on the minus strand). VCF-style: chr9-132903796-A-G. GRCh37 (hg19) VCF-style: chr9-135779183-A-G.
Other names: c.1910T>C, p.Ile637Thr (NM_001162427.2, NM_001406610.1); c.1700T>C, p.Ile567Thr (NM_001362177.2, NM_001406614.1, NM_001406615.1 and 5 more transcripts); c.2063T>C, p.Ile688Thr (NM_001406592.1, NM_001406593.1, NM_001406594.1 and 5 more transcripts); c.2060T>C, p.Ile687Thr (NM_001406597.1, NM_001406598.1, NM_001406609.1 and 4 more transcripts); c.1907T>C, p.Ile636Thr (NM_001406611.1, NM_001406612.1, NM_001406613.1); c.1109T>C, p.Ile370Thr (NM_001406628.1, NM_001406627.1); c.1010T>C, p.Ile337Thr (NM_001406629.1, NM_001406630.1); c.2048T>C, p.Ile683Thr (NM_001406601.1, NM_001406602.1); and 3 more; short protein forms I370T, I567T, I637T, I683T, I337T, I371T, I682T, I687T.
Identifiers: ClinVar variation 3329400 (VCV003329400.1).
Genomic context (GRCh38, chr9:132,903,796, plus strand): 5'-TTAAAACGCTCATAGAGTAACTGGTTGTGCAGTAAAAGCAACTGGTCTCGGAGGGTGCGG[A>G]TCTCATCTGAAGGAGGAGAGCCTGATTGTAAAGCAGAGGGAGGGTGGCAGAAATGCCTTT-3'
Protein context (NP_000359.1, residues 678-698): HFGGSPPSDE[Ile688Thr]RTLRDQLLLL

ClinVar aggregate classification (germline): Uncertain significance (1 of 4 stars; one submission).

Conditions:
Hereditary cancer-predisposing syndrome. Also called: Neoplastic Syndromes, Hereditary; Tumor predisposition; Hereditary neoplastic syndrome; Hereditary Cancer Syndrome. Identifiers: Orphanet 140162, MedGen C0027672, MeSH D009386, MONDO:0015356.

Submission:

Ambry Genetics
Classification: Uncertain significance for Hereditary cancer-predisposing syndrome. Last evaluated: 2024-03-19. Review status: criteria provided, single submitter. Criteria: Ambry Variant Classification Scheme 2023. Collection method: clinical testing. Allele origin: germline.
Comment: The p.I688T variant (also known as c.2063T>C), located in coding exon 15 of the TSC1 gene, results from a T to C substitution at nucleotide position 2063. The isoleucine at codon 688 is replaced by threonine, an amino acid with similar properties. This amino acid position is conserved. In addition, the in silico prediction for this alteration is inconclusive. Based on the available evidence, the clinical significance of this alteration remains unclear.